The following is an entry in ClinVar:

NM_000288.4(PEX7):c.525A>G (p.Ser175=)

Gene: PEX7 (peroxisomal biogenesis factor 7; plus strand). Cytogenetic location: 6q23.3.
Variant type: single nucleotide variant.
Coding change: c.525A>G on transcript NM_000288.4 (MANE Select); coding-DNA position 525, A replaced by G.
Protein change: p.Ser175=; no amino-acid change (serine 175 retained).
Molecular consequence: synonymous variant.
Genome position (GRCh38, 1-based): chr6:136,846,180, A>G. VCF-style: chr6-136846180-A-G. GRCh37 (hg19) VCF-style: chr6-137167318-A-G.
Identifiers: ClinVar variation 1424545 (VCV001424545.6), dbSNP rs771080595, ClinGen allele CA4017635.
Genomic context (GRCh38, chr6:136,846,180, plus strand): 5'-AAGTATTATTTATAGCACAATCTGGTCTCCCCACATCCCTGGTTGTTTTGCTTCAGCCTC[A>G]GGTAAATTATTCTGTATTTACCAAAAGCCTTACTTGTAGTGAATGGTGGCCTTGTTTTTA-3'
Protein context (NP_000279.1, residues 165-185): PHIPGCFASA[Ser175=]GDQTLRIWDV

ClinVar aggregate classification (germline): Uncertain significance (1 of 4 stars; one submission).

Conditions:
Peroxisome biogenesis disorder 9B. Also called: PEX7-Related Refsum Disease; PEROXISOME BIOGENESIS DISORDER, PEX7-RELATED, ATYPICAL; Refsum disease, adult, 2. Identifiers: Orphanet 773, MedGen C2749346, MONDO:0013945, OMIM 614879.

Allele frequency attached by ClinVar (database versions not stated): gnomAD 0.00001; gnomAD exomes below 0.00001; ExAC 0.00001.

Submission:

Labcorp Genetics (formerly Invitae), Labcorp
Classification: Uncertain significance for Peroxisome biogenesis disorder 9B. Last evaluated: 2023-11-27. Review status: criteria provided, single submitter. Criteria: Invitae Variant Classification Sherloc (09022015). Collection method: clinical testing. Allele origin: germline.
Comment: This sequence change affects codon 175 of the PEX7 mRNA. It is a 'silent' change, meaning that it does not change the encoded amino acid sequence of the PEX7 protein. It affects a nucleotide within the consensus splice site. This variant is present in population databases (rs771080595, gnomAD 0.0009%). This variant has not been reported in the literature in individuals affected with PEX7-related conditions. ClinVar contains an entry for this variant (Variation ID: 1424545). Algorithms developed to predict the effect of sequence changes on RNA splicing suggest that this variant may disrupt the consensus splice site. In summary, the available evidence is currently insufficient to determine the role of this variant in disease. Therefore, it has been classified as a Variant of Uncertain Significance.